The following is an entry in ClinVar:

NR_003051.4(RMRP):n.7G>C

Gene: RMRP (RNA component of mitochondrial RNA processing endoribonuclease; minus strand). Cytogenetic location: 9p13.3.
Variant type: single nucleotide variant.
Genome position: GRCh38 VCF-style: chr9-35658013-C-G. GRCh37 (hg19) VCF-style: chr9-35658010-C-G.
Identifiers: ClinVar variation 1040616 (VCV001040616.3), dbSNP rs552002151, ClinGen allele CA464451086.

ClinVar aggregate classification (germline): Uncertain significance. Review status: criteria provided, single submitter (1 of 4 stars). 2 submissions from 2 submitters: Uncertain significance (1). 1 of the submissions does not count toward it. Last evaluated 2022-09-13.

Conditions:
Anauxetic dysplasia. Identifiers: Orphanet 93347, MedGen C1846796, MONDO:0011773.
Metaphyseal chondrodysplasia, McKusick type (CHH). Also called: Cartilage-Hair Hypoplasia (CHH); Cartilage-hair hypoplasia. Identifiers: Orphanet 175, MedGen C0220748, MONDO:0009595, OMIM 250250.

gnomAD v4.1: 2 of 691,520 alleles (0.00029%); highest among the groups gnomAD compares: South Asian, 0.0015%; no homozygotes.

Submissions (2):

Labcorp Genetics (formerly Invitae), Labcorp
Classification: Uncertain significance for Anauxetic dysplasia. Last evaluated: 2022-09-13. Review status: criteria provided, single submitter. Criteria: Invitae Variant Classification Sherloc (09022015). Collection method: clinical testing. Allele origin: germline.
Comment: This variant occurs in the RMRP gene, which encodes an RNA molecule that does not result in a protein product. This variant is present in population databases (no rsID available, gnomAD 0.004%). This variant has not been reported in the literature in individuals affected with RMRP-related conditions. ClinVar contains an entry for this variant (Variation ID: 1040616). Experimental studies and prediction algorithms are not available or were not evaluated, and the functional significance of this variant is currently unknown. Algorithms developed to predict the effect of sequence changes on RNA splicing suggest that this variant may disrupt the consensus splice site. In summary, the available evidence is currently insufficient to determine the role of this variant in disease. Therefore, it has been classified as a Variant of Uncertain Significance.

Natera, Inc.
Classification: Uncertain significance for Cartilage-hair hypoplasia. Last evaluated: 2021-07-09. Review status: no assertion criteria provided. Collection method: clinical testing. Allele origin: germline. Not counted in ClinVar's aggregate classification.